The following is an entry in ClinVar:

NR_171028.1(LIPT2-AS1):n.349del

Genes: LIPT2-AS1 (LIPT2 antisense RNA 1; plus strand), LOC130006412 (ATAC-STARR-seq lymphoblastoid silent region 3754; plus strand). Cytogenetic location: 11q13.4.
Variant type: Deletion.
Molecular consequence: non-coding transcript variant (on NR_171028.1).
Genome position: GRCh38 VCF-style: chr11-74493724-CG-C. GRCh37 (hg19) VCF-style: chr11-74204769-CG-C.
Identifiers: ClinVar variation 2642148 (VCV002642148.23), dbSNP rs555060919, ClinGen allele CA6184940.

ClinVar aggregate classification (germline): Likely benign (1 of 4 stars; one submission).

Submission:

CeGaT Center for Human Genetics Tuebingen
Classification: Likely benign. Last evaluated: 2023-05-01. Review status: criteria provided, single submitter. Criteria: CeGaT Center For Human Genetics Tuebingen Variant Classification Criteria Version 2. Collection method: clinical testing. Allele origin: germline. Affected: yes. Observed: 1 variant allele.
Comment: ENSG00000254837: BS1